The following is an entry in ClinVar:

ClinVar aggregate classification (germline): Uncertain significance (1 of 4 stars; one submission).

Conditions:
Familial adenomatous polyposis 1 (FAP1). Also called: FAMILIAL ADENOMATOUS POLYPOSIS 1, ATTENUATED; POLYPOSIS, ADENOMATOUS INTESTINAL. Identifiers: MedGen C2713442, MONDO:0021056, OMIM 175100. Disease mechanism: loss of function.

Submission:

Labcorp Genetics (formerly Invitae), Labcorp
Classification: Uncertain significance for Familial adenomatous polyposis 1. Last evaluated: 2024-06-09. Review status: criteria provided, single submitter. Criteria: Invitae Variant Classification Sherloc (09022015). Collection method: clinical testing. Allele origin: germline.
Comment: This sequence change replaces arginine, which is basic and polar, with threonine, which is neutral and polar, at codon 2670 of the APC protein (p.Arg2670Thr). This variant is not present in population databases (gnomAD no frequency). This variant has not been reported in the literature in individuals affected with APC-related conditions. ClinVar contains an entry for this variant (Variation ID: 946346). Advanced modeling of protein sequence and biophysical properties (such as structural, functional, and spatial information, amino acid conservation, physicochemical variation, residue mobility, and thermodynamic stability) performed at Invitae indicates that this missense variant is not expected to disrupt APC protein function with a negative predictive value of 95%. In summary, the available evidence is currently insufficient to determine the role of this variant in disease. Therefore, it has been classified as a Variant of Uncertain Significance.

NM_000038.6(APC):c.8009G>C (p.Arg2670Thr)

Gene: APC (APC regulator of Wnt signaling pathway; plus strand). Cytogenetic location: 5q22.2.
Variant type: single nucleotide variant.
Coding change: c.8009G>C on transcript NM_000038.6 (MANE Select); coding-DNA position 8009, G replaced by C.
Protein change: p.Arg2670Thr; replaces arginine 2670 with threonine.
Molecular consequence: missense variant.
Genome position (GRCh38, 1-based): chr5:112,843,603, G>C. VCF-style: chr5-112843603-G-C. GRCh37 (hg19) VCF-style: chr5-112179300-G-C.
Other names: c.8009G>C, p.Arg2670Thr (NM_001127510.3, NM_001354895.2); c.7955G>C, p.Arg2652Thr (NM_001127511.3); c.8063G>C, p.Arg2688Thr (NM_001354896.2); c.8039G>C, p.Arg2680Thr (NM_001354897.2); c.7934G>C, p.Arg2645Thr (NM_001354898.2); c.7925G>C, p.Arg2642Thr (NM_001354899.2); c.7886G>C, p.Arg2629Thr (NM_001354900.2); c.7832G>C, p.Arg2611Thr (NM_001354901.2); and 5 more; short protein forms R2579T, R2611T, R2642T, R2645T, R2680T, R2387T, R2510T, R2629T.
Identifiers: ClinVar variation 946346 (VCV000946346.11), dbSNP rs1561619903, ClinGen allele CA16038730.